The following is an entry in ClinVar:

ClinVar aggregate classification (germline): Uncertain significance (1 of 4 stars; one submission).

Submission:

Women's Health and Genetics/Laboratory Corporation of America, LabCorp
Classification: Uncertain significance. Last evaluated: 2024-11-29. Review status: criteria provided, single submitter. Criteria: LabCorp Variant Classification Summary - May 2015. Collection method: clinical testing. Allele origin: germline.
Comment: Variant summary: VWF c.2612G>A (p.Gly871Asp) results in a non-conservative amino acid change in the encoded protein sequence. Five of five in-silico tools predict a damaging effect of the variant on protein function. The variant was absent in 251488 control chromosomes (gnomAD). To our knowledge, no occurrence of c.2612G>A in individuals affected with Von Willebrand Disease and no experimental evidence demonstrating its impact on protein function have been reported. No submitters have cited clinical-significance assessments for this variant to ClinVar. Based on the evidence outlined above, the variant was classified as uncertain significance.

NM_000552.5(VWF):c.2612G>A (p.Gly871Asp)

Gene: VWF (von Willebrand factor; minus strand). Cytogenetic location: 12p13.31.
Variant type: single nucleotide variant.
Coding change: c.2612G>A on transcript NM_000552.5 (MANE Select); coding-DNA position 2612, G replaced by A.
Protein change: p.Gly871Asp; replaces glycine 871 with aspartic acid.
Molecular consequence: missense variant.
Genome position (GRCh38, 1-based): chr12:6,034,761, C>T on the plus strand (G>A on the coding strand, the complement: VWF is on the minus strand). VCF-style: chr12-6034761-C-T. GRCh37 (hg19) VCF-style: chr12-6143927-C-T.
Other names: short protein forms G871D.
Identifiers: ClinVar variation 3629581 (VCV003629581.2).